The following is an entry in ClinVar:

NM_001304438.2(TMEM132E):c.314G>A (p.Arg105Gln)

Gene: TMEM132E (transmembrane protein 132E; plus strand). Cytogenetic location: 17q12.
Variant type: single nucleotide variant.
Coding change: c.314G>A on transcript NM_001304438.2 (MANE Select); coding-DNA position 314, G replaced by A.
Protein change: p.Arg105Gln; replaces arginine 105 with glutamine.
Molecular consequence: missense variant.
Genome position (GRCh38, 1-based): chr17:34,626,373, G>A. VCF-style: chr17-34626373-G-A. GRCh37 (hg19) VCF-style: chr17-32953392-G-A.
Other names: short protein forms R105Q.
Identifiers: ClinVar variation 2170767 (VCV002170767.4), dbSNP rs760483390, ClinGen allele CA8496413.

ClinVar aggregate classification (germline): Uncertain significance (1 of 4 stars; one submission).

Allele frequency attached by ClinVar (database versions not stated): ExAC 0.00005; TOPMed 0.00005; gnomAD 0.00008.
gnomAD v4.1: 112 of 1,613,206 alleles (0.0069%); highest among the groups gnomAD compares: Non-Finnish European, 0.0092%; no homozygotes.

Submission:

Labcorp Genetics (formerly Invitae), Labcorp
Classification: Uncertain significance. Last evaluated: 2024-10-07. Review status: criteria provided, single submitter. Criteria: Invitae Variant Classification Sherloc (09022015). Collection method: clinical testing. Allele origin: germline.
Comment: This sequence change replaces arginine, which is basic and polar, with glutamine, which is neutral and polar, at codon 105 of the TMEM132E protein (p.Arg105Gln). This variant is present in population databases (rs760483390, gnomAD 0.01%). This variant has not been reported in the literature in individuals affected with TMEM132E-related conditions. ClinVar contains an entry for this variant (Variation ID: 2170767). Experimental studies and prediction algorithms are not available or were not evaluated, and the functional significance of this variant is currently unknown. In summary, the available evidence is currently insufficient to determine the role of this variant in disease. Therefore, it has been classified as a Variant of Uncertain Significance.